The following is an entry in ClinVar:

ClinVar aggregate classification (germline): Uncertain significance. Review status: criteria provided, multiple submitters, no conflicts (2 of 4 stars). 2 submissions from 2 submitters: Uncertain significance (2). Last evaluated 2022-11-01.

Allele frequency attached by ClinVar (database versions not stated): gnomAD exomes 0.00003 and 0.00005; ExAC 0.00005; ESP Exome Variant Server 0.00008; TOPMed 0.00011; gnomAD 0.00012 and 0.00013; 1000 Genomes Project 0.00020; 1000 Genomes Project 30x 0.00031.
gnomAD v4.1: 59 of 1,613,152 alleles (0.0037%); highest among the groups gnomAD compares: African/African-American, 0.057%; no homozygotes.

Submissions (2):

Labcorp Genetics (formerly Invitae), Labcorp
Classification: Uncertain significance. Last evaluated: 2022-11-01. Review status: criteria provided, single submitter. Criteria: Invitae Variant Classification Sherloc (09022015). Collection method: clinical testing. Allele origin: germline.
Comment: In summary, the available evidence is currently insufficient to determine the role of this variant in disease. Therefore, it has been classified as a Variant of Uncertain Significance. Advanced modeling of protein sequence and biophysical properties (such as structural, functional, and spatial information, amino acid conservation, physicochemical variation, residue mobility, and thermodynamic stability) performed at Invitae indicates that this missense variant is expected to disrupt DOCK6 protein function. ClinVar contains an entry for this variant (Variation ID: 1303791). This variant has not been reported in the literature in individuals affected with DOCK6-related conditions. This variant is present in population databases (rs374251700, gnomAD 0.05%). This sequence change replaces arginine, which is basic and polar, with histidine, which is basic and polar, at codon 959 of the DOCK6 protein (p.Arg959His).

GeneDx
Classification: Uncertain significance. Last evaluated: 2019-08-07. Review status: criteria provided, single submitter. Criteria: GeneDx Variant Classification Process June 2021. Collection method: clinical testing. Allele origin: germline. Affected: yes.
Comment: In silico analysis, which includes protein predictors and evolutionary conservation, supports a deleterious effect; Has not been previously published as pathogenic or benign to our knowledge

NM_020812.4(DOCK6):c.2876G>A (p.Arg959His)

Gene: DOCK6 (dedicator of cytokinesis 6; minus strand). Cytogenetic location: 19p13.2.
Variant type: single nucleotide variant.
Coding change: c.2876G>A on transcript NM_020812.4 (MANE Select); coding-DNA position 2876, G replaced by A.
Protein change: p.Arg959His; replaces arginine 959 with histidine.
Molecular consequence: missense variant.
Genome position (GRCh38, 1-based): chr19:11,227,416, C>T on the plus strand (G>A on the coding strand, the complement: DOCK6 is on the minus strand). VCF-style: chr19-11227416-C-T. GRCh37 (hg19) VCF-style: chr19-11338092-C-T.
Other names: c.2981G>A, p.Arg994His (NM_001367830.1); short protein forms R959H, R994H.
Identifiers: ClinVar variation 1303791 (VCV001303791.4), dbSNP rs374251700, ClinGen allele CA9207453.